The following is an entry in ClinVar:

ClinVar aggregate classification (germline): Pathogenic (1 of 4 stars; one submission).

Conditions:
Primary ciliary dyskinesia. Also called: Ciliary dyskinesia. Identifiers: Orphanet 244, MedGen C0008780, MONDO:0016575, HP:0012265.

Submission:

Labcorp Genetics (formerly Invitae), Labcorp
Classification: Pathogenic for Primary ciliary dyskinesia. Last evaluated: 2021-06-29. Review status: criteria provided, single submitter. Criteria: Invitae Variant Classification Sherloc (09022015). Collection method: clinical testing. Allele origin: germline.
Comment: This sequence change creates a premature translational stop signal (p.Glu1424*) in the DNAH5 gene. It is expected to result in an absent or disrupted protein product. Loss-of-function variants in DNAH5 are known to be pathogenic (PMID: 11788826, 16627867). For these reasons, this variant has been classified as Pathogenic. This variant has not been reported in the literature in individuals affected with DNAH5-related conditions. This variant is not present in population databases (ExAC no frequency).

Literature cited by the submitters: PubMed 11788826; PubMed 16627867.

NM_001369.3(DNAH5):c.4270G>T (p.Glu1424Ter)

Genes: DNAH5 (dynein axonemal heavy chain 5; minus strand), DNAH5-AS1 (DNAH5 antisense RNA 1; plus strand). Cytogenetic location: 5p15.2.
Variant type: single nucleotide variant.
Coding change: c.4270G>T on transcript NM_001369.3 (MANE Select); coding-DNA position 4270, G replaced by T.
Protein change: p.Glu1424Ter; replaces glutamic acid 1424 with a stop codon.
Molecular consequence: nonsense.
Genome position (GRCh38, 1-based): chr5:13,865,753, C>A on the plus strand (G>T on the coding strand, the complement: DNAH5 is on the minus strand). VCF-style: chr5-13865753-C-A. GRCh37 (hg19) VCF-style: chr5-13865862-C-A.
Other names: short protein forms E1424*.
Identifiers: ClinVar variation 1358360 (VCV001358360.6), dbSNP rs2151910789, ClinGen allele CA359224909.